The following is an entry in ClinVar:

NM_003640.5(ELP1):c.706C>A (p.Pro236Thr)

Gene: ELP1 (elongator acetyltransferase complex subunit 1; minus strand). Cytogenetic location: 9q31.3.
Variant type: single nucleotide variant.
Coding change: c.706C>A on transcript NM_003640.5 (MANE Select); coding-DNA position 706, C replaced by A.
Protein change: p.Pro236Thr; replaces proline 236 with threonine.
Molecular consequence: missense variant. On other transcripts: intron variant (1).
Genome position (GRCh38, 1-based): chr9:108,918,845, G>T on the plus strand (C>A on the coding strand, the complement: ELP1 is on the minus strand). VCF-style: chr9-108918845-G-T. GRCh37 (hg19) VCF-style: chr9-111681125-G-T.
Other names: c.364C>A, p.Pro122Thr (NM_001318360.2); c.-307-1175C>A (NM_001330749.2); short protein forms P236T, P122T.
Identifiers: ClinVar variation 1511163 (VCV001511163.3), dbSNP rs1231418805, ClinGen allele CA374386812.

ClinVar aggregate classification (germline): Uncertain significance (1 of 4 stars; one submission).

Allele frequency attached by ClinVar (database versions not stated): gnomAD exomes 0.00001.
gnomAD v4.1: 13 of 1,613,948 alleles (0.00081%); highest among the groups gnomAD compares: Non-Finnish European, 0.0011%; no homozygotes.

Submission:

Labcorp Genetics (formerly Invitae), Labcorp
Classification: Uncertain significance. Last evaluated: 2021-10-24. Review status: criteria provided, single submitter. Criteria: Invitae Variant Classification Sherloc (09022015). Collection method: clinical testing. Allele origin: germline.
Comment: This sequence change replaces proline with threonine at codon 236 of the ELP1 protein (p.Pro236Thr). The proline residue is weakly conserved and there is a small physicochemical difference between proline and threonine. This variant is not present in population databases (ExAC no frequency). This variant has not been reported in the literature in individuals affected with ELP1-related conditions. Algorithms developed to predict the effect of missense changes on protein structure and function are either unavailable or do not agree on the potential impact of this missense change (SIFT: "Tolerated"; PolyPhen-2: "Possibly Damaging"; Align-GVGD: "Class C0"). In summary, the available evidence is currently insufficient to determine the role of this variant in disease. Therefore, it has been classified as a Variant of Uncertain Significance.